The following is an entry in ClinVar:

NM_001130004.2(ACTN1):c.930A>G (p.Gln310=)

Gene: ACTN1 (actinin alpha 1; minus strand). Cytogenetic location: 14q24.1.
Variant type: single nucleotide variant.
Coding change: c.930A>G on transcript NM_001130004.2 (MANE Select); coding-DNA position 930, A replaced by G.
Protein change: p.Gln310=; no amino-acid change (glutamine 310 retained).
Molecular consequence: synonymous variant.
Genome position (GRCh38, 1-based): chr14:68,892,209, T>C on the plus strand (A>G on the coding strand, the complement: ACTN1 is on the minus strand). VCF-style: chr14-68892209-T-C. GRCh37 (hg19) VCF-style: chr14-69358926-T-C.
Other names: c.930A>G, p.Gln310= (NM_001102.4, NM_001130005.2, NM_001411035.1 and 9 more transcripts); c.735A>G, p.Gln245= (NM_001411036.1, NM_001424026.1, NM_001424028.1); c.1056A>G, p.Gln352= (NM_001424013.1); c.1017A>G, p.Gln339= (NM_001424015.1); c.927A>G, p.Gln309= (NM_001424017.1); c.867A>G, p.Gln289= (NM_001424018.1, NM_001424020.1, NM_001424022.1); c.861A>G, p.Gln287= (NM_001424021.1); c.105A>G, p.Gln35= (NM_001424030.1).
Identifiers: ClinVar variation 3019101 (VCV003019101.5), dbSNP rs199895777, ClinGen allele CA7242502.

ClinVar aggregate classification (germline): Likely benign. Review status: criteria provided, single submitter (1 of 4 stars). 2 submissions from 2 submitters: Likely benign (1). 1 of the submissions does not count toward it. Last evaluated 2025-08-26.

Conditions:
ACTN1-related disorder. Also called: ACTN1-related condition.

Allele frequency attached by ClinVar (database versions not stated): gnomAD exomes 0.00001; gnomAD 0.00003; ExAC 0.00006; 1000 Genomes Project 30x 0.00031; TOPMed 0.00002; 1000 Genomes Project 0.00020.
gnomAD v4.1: 36 of 1,614,198 alleles (0.0022%); highest among the groups gnomAD compares: East Asian, 0.036%; no homozygotes.

Submissions (2):

Labcorp Genetics (formerly Invitae), Labcorp
Classification: Likely benign. Last evaluated: 2025-08-26. Review status: criteria provided, single submitter. Criteria: Invitae Variant Classification Sherloc (09022015). Collection method: clinical testing. Allele origin: germline.

PreventionGenetics, part of Exact Sciences
Classification: Likely benign for ACTN1-related condition. Last evaluated: 2023-10-06. Review status: no assertion criteria provided. Collection method: clinical testing. Allele origin: germline. Not counted in ClinVar's aggregate classification.
Comment: This variant is classified as likely benign based on ACMG/AMP sequence variant interpretation guidelines (Richards et al. 2015 PMID: 25741868, with internal and published modifications).